The following is an entry in ClinVar:

NM_001378418.1(TCF20):c.5398C>T (p.Arg1800Trp)

Gene: TCF20 (transcription factor 20; minus strand). Cytogenetic location: 22q13.2.
Variant type: single nucleotide variant.
Coding change: c.5398C>T on transcript NM_001378418.1 (MANE Select); coding-DNA position 5398, C replaced by T.
Protein change: p.Arg1800Trp; replaces arginine 1800 with tryptophan.
Molecular consequence: missense variant.
Genome position (GRCh38, 1-based): chr22:42,209,908, G>A on the plus strand (C>T on the coding strand, the complement: TCF20 is on the minus strand). VCF-style: chr22-42209908-G-A. GRCh37 (hg19) VCF-style: chr22-42605914-G-A.
Other names: c.5398C>T, p.Arg1800Trp (NM_181492.3, NM_005650.4); short protein forms R1800W.
Identifiers: ClinVar variation 3712976 (VCV003712976.2).
Genomic context (GRCh38, chr22:42,209,908, plus strand): 5'-TCTTTTCACTGCTGCCCTCAGTGGCTGCTTTTTTACAAGGGAGCCCCCTGGACAGGGACC[G>A]AGGGCCTCCACCACAGTCTTCCGAGCGGTGGCGCCGCTTAAACCTGGGGTGTGCGGCCAG-3'
Protein context (NP_001365347.1, residues 1790-1810): HRSEDCGGGP[Arg1800Trp]SLSRGLPCKK

ClinVar aggregate classification (germline): Uncertain significance (1 of 4 stars; one submission).

gnomAD v4.1: 23 of 1,614,052 alleles (0.0014%); highest among the groups gnomAD compares: South Asian, 0.0022%; no homozygotes.

Submission:

Labcorp Genetics (formerly Invitae), Labcorp
Classification: Uncertain significance. Last evaluated: 2024-10-27. Review status: criteria provided, single submitter. Criteria: Invitae Variant Classification Sherloc (09022015). Collection method: clinical testing. Allele origin: germline.
Comment: This sequence change replaces arginine, which is basic and polar, with tryptophan, which is neutral and slightly polar, at codon 1800 of the TCF20 protein (p.Arg1800Trp). This variant is not present in population databases (gnomAD no frequency). This variant has not been reported in the literature in individuals affected with TCF20-related conditions. An algorithm developed to predict the effect of missense changes on protein structure and function (PolyPhen-2) suggests that this variant is likely to be disruptive. In summary, the available evidence is currently insufficient to determine the role of this variant in disease. Therefore, it has been classified as a Variant of Uncertain Significance.